The following is an entry in ClinVar:

ClinVar aggregate classification (germline): Uncertain significance (1 of 4 stars; one submission).

Conditions:
Curry-Hall syndrome (WAD). Also called: WEYERS ACRODENTAL DYSOSTOSIS. Identifiers: Orphanet 952, MedGen C0457013, MONDO:0008673, OMIM 193530.
Ellis-van Creveld syndrome (EVC). Also called: EVC-Related Ellis-van Creveld Syndrome; EVC2-Related Ellis-van Creveld Syndrome; Chondroectodermal dysplasia; MESOECTODERMAL DYSPLASIA. Identifiers: Orphanet 289, MedGen C0013903, MONDO:0009162, OMIM 225500.

Submission:

Labcorp Genetics (formerly Invitae), Labcorp
Classification: Uncertain significance for Curry-Hall syndrome; Ellis-van Creveld syndrome. Last evaluated: 2025-05-05. Review status: criteria provided, single submitter. Criteria: Invitae Variant Classification Sherloc (09022015). Collection method: clinical testing. Allele origin: germline.
Comment: This sequence change replaces methionine, which is neutral and non-polar, with leucine, which is neutral and non-polar, at codon 81 of the EVC2 protein (p.Met81Leu). This variant is not present in population databases (gnomAD no frequency). This variant has not been reported in the literature in individuals affected with EVC2-related conditions. ClinVar contains an entry for this variant (Variation ID: 1928966). An algorithm developed to predict the effect of missense changes on protein structure and function outputs the following: PolyPhen-2: "Benign". The leucine amino acid residue is found in multiple mammalian species, which suggests that this missense change does not adversely affect protein function. In summary, the available evidence is currently insufficient to determine the role of this variant in disease. Therefore, it has been classified as a Variant of Uncertain Significance.

NM_147127.5(EVC2):c.241A>T (p.Met81Leu)

Gene: EVC2 (EvC ciliary complex subunit 2; minus strand). Cytogenetic location: 4p16.2.
Variant type: single nucleotide variant.
Coding change: c.241A>T on transcript NM_147127.5 (MANE Select); coding-DNA position 241, A replaced by T.
Protein change: p.Met81Leu; replaces methionine 81 with leucine.
Molecular consequence: missense variant. On other transcripts: initiator codon variant (1).
Genome position (GRCh38, 1-based): chr4:5,697,635, T>A on the plus strand (A>T on the coding strand, the complement: EVC2 is on the minus strand). VCF-style: chr4-5697635-T-A. GRCh37 (hg19) VCF-style: chr4-5699362-T-A.
Other names: c.1A>T, p.Met1Leu (NM_001166136.2); short protein forms M1L, M81L.
Identifiers: ClinVar variation 1928966 (VCV001928966.4), dbSNP rs1721565429, ClinGen allele CA356152297.